The following is an entry in ClinVar:

ClinVar aggregate classification (germline): Uncertain significance (1 of 4 stars; one submission).

Submission:

Labcorp Genetics (formerly Invitae), Labcorp
Classification: Uncertain significance. Last evaluated: 2025-02-25. Review status: criteria provided, single submitter. Criteria: Invitae Variant Classification Sherloc (09022015). Collection method: clinical testing. Allele origin: germline.
Comment: This sequence change replaces lysine, which is basic and polar, with asparagine, which is neutral and polar, at codon 1197 of the MTOR protein (p.Lys1197Asn). This variant is not present in population databases (gnomAD no frequency). This variant has not been reported in the literature in individuals affected with MTOR-related conditions. Invitae Evidence Modeling of protein sequence and biophysical properties (such as structural, functional, and spatial information, amino acid conservation, physicochemical variation, residue mobility, and thermodynamic stability) indicates that this missense variant is not expected to disrupt MTOR protein function with a negative predictive value of 95%. In summary, the available evidence is currently insufficient to determine the role of this variant in disease. Therefore, it has been classified as a Variant of Uncertain Significance.

NM_004958.4(MTOR):c.3591A>C (p.Lys1197Asn)

Gene: MTOR (mechanistic target of rapamycin kinase; minus strand). Cytogenetic location: 1p36.22.
Variant type: single nucleotide variant.
Coding change: c.3591A>C on transcript NM_004958.4 (MANE Select); coding-DNA position 3591, A replaced by C.
Protein change: p.Lys1197Asn; replaces lysine 1197 with asparagine.
Molecular consequence: missense variant.
Genome position (GRCh38, 1-based): chr1:11,210,877, T>G on the plus strand (A>C on the coding strand, the complement: MTOR is on the minus strand). VCF-style: chr1-11210877-T-G. GRCh37 (hg19) VCF-style: chr1-11270934-T-G.
Other names: c.3591A>C, p.Lys1197Asn (NM_001386500.1); c.2343A>C, p.Lys781Asn (NM_001386501.1); short protein forms K1197N, K781N.
Identifiers: ClinVar variation 4799837 (VCV004799837.1).